The following is an entry in ClinVar:

NM_000321.3(RB1):c.45_53del (p.Ala16_Ala18del)

Gene: RB1 (RB transcriptional corepressor 1; plus strand). Cytogenetic location: 13q14.2.
Variant type: Deletion.
Coding change: c.45_53del on transcript NM_000321.3 (MANE Select); coding-DNA positions 45 to 53, 9 bases deleted (TGCCGCCGC; older notation c.45_53delTGCCGCCGC).
Protein change: p.Ala16_Ala18del.
Molecular consequence: inframe deletion.
Genome position (GRCh38, 1-based): chr13:48,303,957-48,303,965, TGCCGCCGC deleted; deleting any 9 consecutive bases within chr13:48,303,949-48,303,965 gives the same sequence; the c. name uses the placement nearest the transcript's 3' end. VCF-style (leftmost placement, unchanged base first): chr13-48303948-CGCCGCCGCT-C. GRCh37 (hg19) VCF-style: chr13-48878084-CGCCGCCGCT-C.
Other names: c.45_53delTGCCGCCGC (NM_000321.2); c.45_53del9 (NM_000321.2).
Identifiers: ClinVar variation 193082 (VCV000193082.40), dbSNP rs572454921, ClinGen allele CA026451.

ClinVar aggregate classification (germline): Benign/Likely benign. Review status: criteria provided, multiple submitters, no conflicts (2 of 4 stars). 13 submissions from 13 submitters: Benign (9); Likely benign (1). 3 of the submissions do not count toward it. Last evaluated 2026-02-04.

Conditions:
RB1-related disorder. Also called: RB1-related condition.
Hereditary retinoblastoma. Identifiers: Orphanet 357027, MedGen C0751483, MONDO:0018160.
Hereditary cancer-predisposing syndrome. Also called: Tumor predisposition; Neoplastic Syndromes, Hereditary; Hereditary Cancer Syndrome; Hereditary neoplastic syndrome. Identifiers: Orphanet 140162, MedGen C0027672, MeSH D009386, MONDO:0015356.
Retinoblastoma (RB1). Also called: RETINOBLASTOMA, SOMATIC. Identifiers: Orphanet 790, MedGen C0035335, MeSH D012175, MONDO:0008380, OMIM 180200, HP:0009919. Disease mechanism: loss of function. Inheritance: Both sporadic and heritable forms are tested..

Submissions (13):

Labcorp Genetics (formerly Invitae), Labcorp
Classification: Benign for Retinoblastoma. Last evaluated: 2026-02-04. Review status: criteria provided, single submitter. Criteria: Invitae Variant Classification Sherloc (09022015). Collection method: clinical testing. Allele origin: germline.

Myriad Genetics, Inc.
Classification: Benign for Retinoblastoma. Last evaluated: 2025-11-21. Review status: criteria provided, single submitter. Criteria: Myriad Autosomal Dominant, Autosomal Recessive and X-Linked Classification Criteria (2023). Collection method: clinical testing. Allele origin: unknown.
Comment: This variant is considered benign. This variant has been observed at a population frequency that is significantly greater than expected given the associated disease prevalence and penetrance. Homozygosity has been confirmed in one or more individuals. As homozygosity for pathogenic variants in this gene is generally assumed to result in embryonic lethality, this variant is unlikely to be pathogenic.

Ramesar Group, Division of Human Genetics, Institute of Infectious Diseases and Molecular Medicine, UCT/MRC Genomic and Precision Medicine Research Unit, University of Cape Town
Classification: Benign for Hereditary retinoblastoma. Last evaluated: 2025-09-17. Review status: criteria provided, single submitter. Criteria: ACMG Guidelines, 2015. Collection method: research. Allele origin: germline. Affected: no.
Comment: BA1 - This variant is common in the general population (gnomAD), and is present in 7 individuals in our in-house control cohort (9%) BP5 - Variant found in a patient with a different retinal disease; RB1 is not associated with the phenotype BP6 - Reported as benign in ClinVar

ARUP Laboratories, Molecular Genetics and Genomics, ARUP Laboratories
Classification: Benign. Last evaluated: 2025-05-01. Review status: criteria provided, single submitter. Criteria: ARUP Molecular Germline Variant Investigation Process 2024. Collection method: clinical testing. Allele origin: germline.

Blueprint Genetics
Classification: Likely benign. Last evaluated: 2024-11-27. Review status: criteria provided, single submitter. Criteria: ACMG Guidelines, 2015. Collection method: clinical testing. Allele origin: germline.

Women's Health and Genetics/Laboratory Corporation of America, LabCorp
Classification: Benign. Last evaluated: 2022-11-21. Review status: criteria provided, single submitter. Criteria: LabCorp Variant Classification Summary - May 2015. Collection method: clinical testing. Allele origin: germline.
Comment: Variant summary: RB1 c.45_53delTGCCGCCGC (p.Ala16_Ala18del) results in an in-frame deletion that is predicted to remove three amino acids from the encoded protein. The variant allele was found at a frequency of 0.001 in 105080 control chromosomes in the gnomAD database, including 3 homozygotes. The observed variant frequency is approximately 25 fold of the estimated maximal predicted allele frequency for a pathogenic variant in RB1 causing Retinoblastoma phenotype (4.2e-05), strongly suggesting that the variant is benign. Four clinical diagnostic laboratories have submitted clinical-significance assessments for this variant to ClinVar after 2014 and all classified the variant as benign. Based on the evidence outlined above, the variant was classified as benign.

Color Diagnostics, LLC DBA Color Health
Classification: Benign for Retinoblastoma. Last evaluated: 2022-02-02. Review status: criteria provided, single submitter. Criteria: ACMG Guidelines, 2015. Collection method: clinical testing. Allele origin: germline.

Ambry Genetics
Classification: Benign for Hereditary cancer-predisposing syndrome. Last evaluated: 2017-11-30. Review status: criteria provided, single submitter. Criteria: Ambry Variant Classification Scheme 2023. Collection method: clinical testing. Allele origin: germline.

GeneDx
Classification: Benign. Last evaluated: 2016-07-14. Review status: criteria provided, single submitter. Criteria: GeneDx Variant Classification Process June 2021. Collection method: clinical testing. Allele origin: germline. Affected: yes.
Comment: This variant is associated with the following publications: (PMID: 24728327)

Eurofins Ntd Llc (ga)
Classification: Benign. Last evaluated: 2014-08-25. Review status: criteria provided, single submitter. Criteria: EGL Classification Definitions 2015. Collection method: clinical testing. Allele origin: germline. Observed: 1 variant allele, 1 heterozygote.

PreventionGenetics, part of Exact Sciences
Classification: Benign for RB1-related condition. Last evaluated: 2019-10-24. Review status: no assertion criteria provided. Collection method: clinical testing. Allele origin: germline. Not counted in ClinVar's aggregate classification.
Comment: This variant is classified as benign based on ACMG/AMP sequence variant interpretation guidelines (Richards et al. 2015 PMID: 25741868, with internal and published modifications).

ITMI
No classification provided. Condition: AllHighlyPenetrant. Last evaluated: 2013-09-19. Review status: no classification provided. Collection method: reference population. Allele origin: germline. Not counted in ClinVar's aggregate classification.
Comment: Please see associated publication for description of ethnicities

Department of Pathology and Laboratory Medicine, Sinai Health System
Classification: Likely benign. Review status: no assertion criteria provided. Collection method: clinical testing. Allele origin: unknown. Affected: yes. Study: The Canadian Open Genetics Repository (COGR). Not counted in ClinVar's aggregate classification.
Comment: The RB1 p.Ala16_Ala18del variant was not identified in the literature nor was it identified in Cosmic or LOVD 3.0. The variant was identified in dbSNP (ID: rs572454921) and in ClinVar (classified as Benign by Invitae, Ambry Genetics and EGL Genetic Diagnostics. Conditions associated as Retinoblastoma and Hereditary cancer-predisposing syndrome). The variant was identified in control databases in 110 of 105 080 chromosomes (3 homozygous) at a frequency of 0.001047 increasing the likelihood this could be a low frequency benign variant (Genome Aggregation Database Feb 27, 2017). The variant was observed in the following populations: AfricanÂ¬â€  in 60 of 1 794 chromosomes (freq: 0.0334), European (Non-Finnish)Â¬â€  in 3 of 38 746 chromosomes (freq: 0.000077), LatinoÂ¬â€  in 41 of 21 494 chromosomes (freq: 0.00191), South AsianÂ¬â€  in 5 of 19 876 chromosomes (freq: 0.000252), and OtherÂ¬â€  in 1 of 3 226 chromosomes (freq: 0.000309); it was not observed in the Ashkenazi Jewish, East Asian and European (Finnish) populations. The variant occurs outside of the splicing consensus sequence and in silico or computational prediction software programs (SpliceSiteFinder, MaxEntScan, NNSPLICE, GeneSplicer) do not predict a difference in splicing. This variant is an in-frame deletion resulting in the removal of Ala residues between codons 16-18; the impact of this alteration on RB1 protein function is not known. In summary, based on the above information the clinical significance of this variant cannot be determined with certainty at this time although we would lean towards a more benign role for this variant. This variant is classified as likely benign.

Literature cited by the submitters: PubMed 30773851 (cited by Women's Health and Genetics/Laboratory Corporation of America, LabCorp); PubMed 24728327 (cited by ITMI).